The following is an entry in ClinVar:

ClinVar aggregate classification (germline): Uncertain significance. Review status: criteria provided, multiple submitters, no conflicts (2 of 4 stars). 5 submissions from 5 submitters: Uncertain significance (5). Last evaluated 2026-02-01.

Conditions:
Hypertrophic cardiomyopathy. Also called: HYPERTROPHIC MYOCARDIOPATHY. Identifiers: Orphanet 217569, MedGen C0007194, MeSH D002312, MONDO:0005045, HP:0001639.
Cardiovascular phenotype. Identifiers: MedGen CN230736.
Cardiomyopathy (CMYO). Also called: Cardiomyopathies. Identifiers: Orphanet 167848, MedGen C0878544, MONDO:0004994, HP:0001638. Inheritance: Various modes of inheritance.

Allele frequency attached by ClinVar (database versions not stated): gnomAD exomes below 0.00001 and 0.00001; gnomAD 0.00001; TOPMed 0.00001; ExAC 0.00004.

Submissions (5):

Labcorp Genetics (formerly Invitae), Labcorp
Classification: Uncertain significance for Hypertrophic cardiomyopathy. Last evaluated: 2026-02-01. Review status: criteria provided, single submitter. Criteria: Invitae Variant Classification Sherloc (09022015). Collection method: clinical testing. Allele origin: germline.
Comment: This sequence change replaces proline, which is neutral and non-polar, with histidine, which is basic and polar, at codon 145 of the MYBPC3 protein (p.Pro145His). The frequency data for this variant in the population databases is considered unreliable, as metrics indicate poor data quality at this position in the gnomAD database. This variant has not been reported in the literature in individuals affected with MYBPC3-related conditions. ClinVar contains an entry for this variant (Variation ID: 924628). An algorithm developed to predict the effect of missense changes on protein structure and function (PolyPhen-2) suggests that this variant is likely to be tolerated. In summary, the available evidence is currently insufficient to determine the role of this variant in disease. Therefore, it has been classified as a Variant of Uncertain Significance.

GeneDx
Classification: Uncertain significance. Last evaluated: 2024-12-30. Review status: criteria provided, single submitter. Criteria: GeneDx Variant Classification Process June 2021. Collection method: clinical testing. Allele origin: germline. Affected: yes.
Comment: Not observed at significant frequency in large population cohorts (gnomAD); In silico analysis indicates that this missense variant does not alter protein structure/function; Has not been previously published as pathogenic or benign to our knowledge

All of Us Research Program, National Institutes of Health
Classification: Uncertain significance for Hypertrophic cardiomyopathy. Last evaluated: 2024-05-14. Review status: criteria provided, single submitter. Criteria: ACMG Guidelines, 2015. Collection method: clinical testing. Allele origin: germline. Inheritance: Autosomal dominant inheritance. Observed: 2 variant alleles, 2 heterozygotes.
Comment: Variant of Uncertain Significance due to insufficient evidence: This missense variant is located in the proline-rich domain of the MYBPC3 protein. Computational prediction tools and conservation analyses suggest that this variant may not impact the protein function. Computational splicing tools suggest that this variant may not impact RNA splicing. To our knowledge, functional assays have not been performed for this variant nor has this variant been reported in individuals affected with cardiovascular disorders in the literature. This variant is rare in the general population and has been identified in 0/277264 chromosomes by the Genome Aggregation Database (gnomAD). Available evidence is insufficient to determine the role of this variant in disease conclusively.

This study involves interpretation of variants in research participants for the purpose of population health screening. Participant phenotype was not available at the time of variant classification. Additional details can be found in publication PMID: 35346344, PMCID: PMC8962531

Color Diagnostics, LLC DBA Color Health
Classification: Uncertain significance for Cardiomyopathy. Last evaluated: 2024-04-26. Review status: criteria provided, single submitter. Criteria: ACMG Guidelines, 2015. Collection method: clinical testing. Allele origin: germline.
Comment: This missense variant replaces proline with histidine at codon 145 of the MYBPC3 protein. Computational prediction tools indicate that this variant has a neutral impact on protein structure and function. To our knowledge, functional studies have not been reported for this variant. This variant has not been reported in individuals affected with MYBPC3-related disorders in the literature. This variant has been identified in 3/197684 chromosomes in the general population by the Genome Aggregation Database (gnomAD). The available evidence is insufficient to determine the role of this variant in disease conclusively. Therefore, this variant is classified as a Variant of Uncertain Significance.

Ambry Genetics
Classification: Uncertain significance for Cardiovascular phenotype. Last evaluated: 2023-07-03. Review status: criteria provided, single submitter. Criteria: Ambry Variant Classification Scheme 2023. Collection method: clinical testing. Allele origin: germline.
Comment: The p.P145H variant (also known as c.434C>A), located in coding exon 4 of the MYBPC3 gene, results from a C to A substitution at nucleotide position 434. The proline at codon 145 is replaced by histidine, an amino acid with similar properties. This amino acid position is well conserved in available vertebrate species. In addition, this alteration is predicted to be tolerated by in silico analysis. Since supporting evidence is limited at this time, the clinical significance of this alteration remains unclear.

Literature cited by the submitters: PubMed 28679633 (cited by Ambry Genetics).

NM_000256.3(MYBPC3):c.434C>A (p.Pro145His)

Gene: MYBPC3 (myosin binding protein C3; minus strand). Cytogenetic location: 11p11.2.
Variant type: single nucleotide variant.
Coding change: c.434C>A on transcript NM_000256.3 (MANE Select); coding-DNA position 434, C replaced by A.
Protein change: p.Pro145His; replaces proline 145 with histidine.
Molecular consequence: missense variant.
Genome position (GRCh38, 1-based): chr11:47,350,085, G>T on the plus strand (C>A on the coding strand, the complement: MYBPC3 is on the minus strand). VCF-style: chr11-47350085-G-T. GRCh37 (hg19) VCF-style: chr11-47371636-G-T.
Other names: short protein forms P145H.
Identifiers: ClinVar variation 924628 (VCV000924628.16), dbSNP rs768309693, ClinGen allele CA055370.
Genomic context (GRCh38, chr11:47,350,085, plus strand): 5'-TCGCCATCCTGTGGCCGCATCACGAAGAGGCCAATGGGGTCATCGGGGGCTCCAGGGGTA[G>T]GACCATTGAGAGCTGCTGAGCTTGACCCTGTGAGCAAAGGCTTTTTCTGTTTGTTTGAGA-3'
Protein context (NP_000247.2, residues 135-155): KGSSSAALNG[Pro145His]TPGAPDDPIG